The following is an entry in ClinVar:

ClinVar aggregate classification (germline): Uncertain significance (1 of 4 stars; one submission).

Conditions:
Aicardi-Goutieres syndrome 3. Identifiers: Orphanet 51, MedGen C1835916, MONDO:0012471, OMIM 610329.

Submission:

Labcorp Genetics (formerly Invitae), Labcorp
Classification: Uncertain significance for Aicardi-Goutieres syndrome 3. Last evaluated: 2022-01-16. Review status: criteria provided, single submitter. Criteria: Invitae Variant Classification Sherloc (09022015). Collection method: clinical testing. Allele origin: germline.
Comment: This sequence change creates a premature translational stop signal (p.Asp117Glufs*28) in the RNASEH2C gene. While this is not anticipated to result in nonsense mediated decay, it is expected to disrupt the last 48 amino acid(s) of the RNASEH2C protein. This variant is not present in population databases (gnomAD no frequency). This variant has not been reported in the literature in individuals affected with RNASEH2C-related conditions. Experimental studies and prediction algorithms are not available or were not evaluated, and the functional significance of this variant is currently unknown. In summary, the available evidence is currently insufficient to determine the role of this variant in disease. Therefore, it has been classified as a Variant of Uncertain Significance.

NC_000011.10:g.65720153_65720165del

Gene: RNASEH2C (ribonuclease H2 subunit C; minus strand). Cytogenetic location: 11q13.1.
Variant type: Deletion.
Genome position: GRCh38 VCF-style: chr11-65720149-CTCCAATGAAGCGG-C. GRCh37 (hg19) VCF-style: chr11-65487620-CTCCAATGAAGCGG-C.
Identifiers: ClinVar variation 2085029 (VCV002085029.2), dbSNP rs1857346942, ClinGen allele CA1979335526.